The following is an entry in ClinVar:

NM_001369.3(DNAH5):c.4053+1G>T

Genes: DNAH5 (dynein axonemal heavy chain 5; minus strand), DNAH5-AS1 (DNAH5 antisense RNA 1; plus strand). Cytogenetic location: 5p15.2.
Variant type: single nucleotide variant.
Coding change: c.4053+1G>T on transcript NM_001369.3 (MANE Select); the canonical splice donor site of the intron after coding-DNA position 4053, G replaced by T.
Molecular consequence: splice donor variant.
Genome position (GRCh38, 1-based): chr5:13,867,773, C>A on the plus strand (G>T on the coding strand, the complement: DNAH5 is on the minus strand). VCF-style: chr5-13867773-C-A. GRCh37 (hg19) VCF-style: chr5-13867882-C-A.
Identifiers: ClinVar variation 407245 (VCV000407245.7), dbSNP rs1060501466, ClinGen allele CA16611874.

ClinVar aggregate classification (germline): Likely pathogenic (1 of 4 stars; one submission).

Conditions:
Primary ciliary dyskinesia. Also called: Ciliary dyskinesia. Identifiers: Orphanet 244, MedGen C0008780, MONDO:0016575, HP:0012265.

Submission:

Labcorp Genetics (formerly Invitae), Labcorp
Classification: Likely pathogenic for Primary ciliary dyskinesia. Last evaluated: 2024-12-16. Review status: criteria provided, single submitter. Criteria: Invitae Variant Classification Sherloc (09022015). Collection method: clinical testing. Allele origin: germline.
Comment: This sequence change affects a donor splice site in intron 25 of the DNAH5 gene. It is expected to disrupt RNA splicing. Variants that disrupt the donor or acceptor splice site typically lead to a loss of protein function (PMID: 16199547), and loss-of-function variants in DNAH5 are known to be pathogenic (PMID: 11788826, 16627867). This variant is not present in population databases (gnomAD no frequency). This variant has not been reported in the literature in individuals affected with DNAH5-related conditions. ClinVar contains an entry for this variant (Variation ID: 407245). Algorithms developed to predict the effect of sequence changes on RNA splicing suggest that this variant may disrupt the consensus splice site. In summary, the currently available evidence indicates that the variant is pathogenic, but additional data are needed to prove that conclusively. Therefore, this variant has been classified as Likely Pathogenic.

Literature cited by the submitters: PubMed 16199547; PubMed 11788826; PubMed 16627867.